The following is an entry in ClinVar:

NM_032043.3(BRIP1):c.418G>A (p.Ala140Thr)

Gene: BRIP1 (BRCA1 interacting DNA helicase 1; minus strand). Cytogenetic location: 17q23.2.
Variant type: single nucleotide variant.
Coding change: c.418G>A on transcript NM_032043.3 (MANE Select); coding-DNA position 418, G replaced by A.
Protein change: p.Ala140Thr; replaces alanine 140 with threonine.
Molecular consequence: missense variant.
Genome position (GRCh38, 1-based): chr17:61,849,218, C>T on the plus strand (G>A on the coding strand, the complement: BRIP1 is on the minus strand). VCF-style: chr17-61849218-C-T. GRCh37 (hg19) VCF-style: chr17-59926579-C-T.
Other names: short protein forms A140T.
Identifiers: ClinVar variation 946714 (VCV000946714.12), dbSNP rs2078780535, ClinGen allele CA400484544.
Genomic context (GRCh38, chr17:61,849,218, plus strand): 5'-TTTTCTTCTCTACTTGAAAATCATCATTTTCATCTCTGTATATGGATGCCTGTTTCTTAG[C>T]AGATAACTTTGCAGCCAGAGTGGTTTTTTCAGGGGAGTCTTATATAAGTAATTTAAAAAA-3'
Protein context (NP_114432.2, residues 130-150): EKTTLAAKLS[Ala140Thr]KKQASIYRDE

ClinVar aggregate classification (germline): Uncertain significance. Review status: criteria provided, multiple submitters, no conflicts (2 of 4 stars). 3 submissions from 3 submitters: Uncertain significance (3). Last evaluated 2026-07-02.

Conditions:
Familial cancer of breast. Also called: Hereditary breast cancer; BREAST CANCER, FAMILIAL; hereditary breast carcinoma. Identifiers: Orphanet 227535, MedGen C0346153, MONDO:0016419, OMIM 114480. Disease mechanism: loss of function.
Fanconi anemia complementation group J. Also called: BRIP1-Related Fanconi Anemia. Identifiers: Orphanet 84, MedGen C1836860, MONDO:0012187, OMIM 609054.
Hereditary cancer-predisposing syndrome. Also called: Neoplastic Syndromes, Hereditary; Hereditary Cancer Syndrome; Tumor predisposition; Hereditary neoplastic syndrome. Identifiers: Orphanet 140162, MedGen C0027672, MeSH D009386, MONDO:0015356.

Submissions (3):

Ambry Genetics
Classification: Uncertain significance for Hereditary cancer-predisposing syndrome. Last evaluated: 2026-07-02. Review status: criteria provided, single submitter. Criteria: Ambry Variant Classification Scheme 2023. Collection method: clinical testing. Allele origin: germline.
Comment: The p.A140T variant (also known as c.418G>A), located in coding exon 4 of the BRIP1 gene, results from a G to A substitution at nucleotide position 418. The alanine at codon 140 is replaced by threonine, an amino acid with similar properties. This amino acid position is conserved. In addition, the in silico prediction for this alteration is inconclusive. Based on the available evidence, the clinical significance of this variant remains unclear.

Labcorp Genetics (formerly Invitae), Labcorp
Classification: Uncertain significance for Familial cancer of breast; Fanconi anemia complementation group J. Last evaluated: 2025-09-30. Review status: criteria provided, single submitter. Criteria: Invitae Variant Classification Sherloc (09022015). Collection method: clinical testing. Allele origin: germline.
Comment: This sequence change replaces alanine, which is neutral and non-polar, with threonine, which is neutral and polar, at codon 140 of the BRIP1 protein (p.Ala140Thr). This variant is not present in population databases (gnomAD no frequency). This variant has not been reported in the literature in individuals affected with BRIP1-related conditions. ClinVar contains an entry for this variant (Variation ID: 946714). Invitae Evidence Modeling of protein sequence and biophysical properties (such as structural, functional, and spatial information, amino acid conservation, physicochemical variation, residue mobility, and thermodynamic stability) has been performed for this missense variant. However, the output from this modeling did not meet the statistical confidence thresholds required to predict the impact of this variant on BRIP1 protein function. In summary, the available evidence is currently insufficient to determine the role of this variant in disease. Therefore, it has been classified as a Variant of Uncertain Significance.

GeneDx
Classification: Uncertain significance. Last evaluated: 2024-07-12. Review status: criteria provided, single submitter. Criteria: GeneDx Variant Classification Process June 2021. Collection method: clinical testing. Allele origin: germline. Affected: yes.
Comment: Not observed at significant frequency in large population cohorts (gnomAD); In silico analysis indicates that this missense variant does not alter protein structure/function; Has not been previously published as pathogenic or benign to our knowledge